The following is an entry in ClinVar:

ClinVar aggregate classification (germline): Likely pathogenic (1 of 4 stars; one submission).

Allele frequency attached by ClinVar (database versions not stated): gnomAD exomes below 0.00001.
gnomAD v4.1: 1 of 1,614,132 alleles (0.000062%); highest among the groups gnomAD compares: South Asian, 0.0011%; no homozygotes.

Submission:

Labcorp Genetics (formerly Invitae), Labcorp
Classification: Likely pathogenic. Last evaluated: 2023-10-13. Review status: criteria provided, single submitter. Criteria: Invitae Variant Classification Sherloc (09022015). Collection method: clinical testing. Allele origin: germline.
Comment: This sequence change affects an acceptor splice site in intron 4 of the CYP27B1 gene. It is expected to disrupt RNA splicing. Variants that disrupt the donor or acceptor splice site typically lead to a loss of protein function (PMID: 16199547), and loss-of-function variants in CYP27B1 are known to be pathogenic (PMID: 9837822, 17488797). This variant is not present in population databases (gnomAD no frequency). This variant has not been reported in the literature in individuals affected with CYP27B1-related conditions. Algorithms developed to predict the effect of sequence changes on RNA splicing suggest that this variant may disrupt the consensus splice site. In summary, the currently available evidence indicates that the variant is pathogenic, but additional data are needed to prove that conclusively. Therefore, this variant has been classified as Likely Pathogenic.

Literature cited by the submitters: PubMed 16199547; PubMed 9837822; PubMed 17488797.

NM_000785.4(CYP27B1):c.791-2A>G

Gene: CYP27B1 (cytochrome P450 family 27 subfamily B member 1; minus strand). Cytogenetic location: 12q14.1.
Variant type: single nucleotide variant.
Coding change: c.791-2A>G on transcript NM_000785.4 (MANE Select); the canonical splice acceptor site of the intron before coding-DNA position 791, A replaced by G.
Molecular consequence: splice acceptor variant.
Genome position (GRCh38, 1-based): chr12:57,764,928, T>C on the plus strand (A>G on the coding strand, the complement: CYP27B1 is on the minus strand). VCF-style: chr12-57764928-T-C. GRCh37 (hg19) VCF-style: chr12-58158711-T-C.
Identifiers: ClinVar variation 2904339 (VCV002904339.3), dbSNP rs2540916726, ClinGen allele CA385505090.
Genomic context (GRCh38, chr12:57,764,928, plus strand): 5'-GGGCTGTCCTCCGTTCCTCATGGCTGCCTCTGCCTCTCGCCGCTCCACGTGCCTCTGAGC[T>C]GCGTGGGTAGAAGGCACGTGAATACCTCGCTACCCCTGGACAGCTTTACATTCCCCCATT-3'